The following is an entry in ClinVar:

ClinVar aggregate classification (germline): Likely benign (1 of 4 stars; one submission).

Submission:

Mayo Clinic Laboratories, Mayo Clinic
Classification: Likely benign. Last evaluated: 2025-01-20. Review status: criteria provided, single submitter. Criteria: ACMG Guidelines, 2015. Collection method: clinical testing. Allele origin: germline. Observed: 1 variant allele.
Comment: BS1, BP4_moderate

NM_000147.5(FUCA1):c.29C>T (p.Pro10Leu)

Gene: FUCA1 (alpha-L-fucosidase 1; minus strand). Cytogenetic location: 1p36.11.
Variant type: single nucleotide variant.
Coding change: c.29C>T on transcript NM_000147.5 (MANE Select); coding-DNA position 29, C replaced by T.
Protein change: p.Pro10Leu; replaces proline 10 with leucine.
Molecular consequence: missense variant. On other transcripts: non-coding transcript variant (4).
Genome position (GRCh38, 1-based): chr1:23,868,258, G>A on the plus strand (C>T on the coding strand, the complement: FUCA1 is on the minus strand). VCF-style: chr1-23868258-G-A. GRCh37 (hg19) VCF-style: chr1-24194748-G-A.
Other names: p.Pro10Leu; short protein forms P10L.
Identifiers: ClinVar variation 4684772 (VCV004684772.1).
Genomic context (GRCh38, chr1:23,868,258, plus strand): 5'-CGACGCACCGACTCGGCCGCTCCGAGGAAGAGCAGCAGCAGCAACAGCGCGGGACCCGCC[G>A]GCCGCGACCTCATCCCCGGAGCCCGCATCGCTACCCCTCAGCGACGCGGCCCACTCTTAA-3'
Protein context (NP_000138.2, residues 1-20): MRAPGMRSR[Pro10Leu]AGPALLLLLL